The following is an entry in ClinVar:

ClinVar aggregate classification (germline): Uncertain significance (1 of 4 stars; one submission).

Allele frequency attached by ClinVar (database versions not stated): ESP Exome Variant Server 0.00008; ExAC 0.00012; 1000 Genomes Project 30x 0.00047; gnomAD 0.00010; TOPMed 0.00011.
gnomAD v4.1: 90 of 1,587,542 alleles (0.0057%); highest among the groups gnomAD compares: Middle Eastern, 0.033%; no homozygotes.

Submission:

Labcorp Genetics (formerly Invitae), Labcorp
Classification: Uncertain significance. Last evaluated: 2022-06-17. Review status: criteria provided, single submitter. Criteria: Invitae Variant Classification Sherloc (09022015). Collection method: clinical testing. Allele origin: germline.
Comment: This sequence change replaces arginine, which is basic and polar, with glutamine, which is neutral and polar, at codon 2704 of the SPEG protein (p.Arg2704Gln). This variant is present in population databases (rs372151241, gnomAD 0.07%). This variant has not been reported in the literature in individuals affected with SPEG-related conditions. Algorithms developed to predict the effect of missense changes on protein structure and function output the following: SIFT: "Tolerated"; PolyPhen-2: "Benign"; Align-GVGD: "Class C0". The glutamine amino acid residue is found in multiple mammalian species, which suggests that this missense change does not adversely affect protein function. In summary, the available evidence is currently insufficient to determine the role of this variant in disease. Therefore, it has been classified as a Variant of Uncertain Significance.

NM_005876.5(SPEG):c.8111G>A (p.Arg2704Gln)

Genes: ASIC4-AS1 (ASIC4 antisense RNA 1; minus strand), SPEG (striated muscle enriched protein kinase; plus strand). Cytogenetic location: 2q35.
Variant type: single nucleotide variant.
Coding change: c.8111G>A on transcript NM_005876.5 (MANE Select); coding-DNA position 8111, G replaced by A.
Protein change: p.Arg2704Gln; replaces arginine 2704 with glutamine.
Molecular consequence: missense variant.
Genome position (GRCh38, 1-based): chr2:219,488,862, G>A. VCF-style: chr2-219488862-G-A. GRCh37 (hg19) VCF-style: chr2-220353584-G-A.
Other names: short protein forms R2704Q.
Identifiers: ClinVar variation 1450566 (VCV001450566.3), dbSNP rs372151241, ClinGen allele CA2127393.